The following is an entry in ClinVar:

NM_000179.3(MSH6):c.1609A>T (p.Lys537Ter)

Gene: MSH6 (mutS homolog 6; plus strand). Cytogenetic location: 2p16.3.
Variant type: single nucleotide variant.
Coding change: c.1609A>T on transcript NM_000179.3 (MANE Select); coding-DNA position 1609, A replaced by T.
Protein change: p.Lys537Ter; replaces lysine 537 with a stop codon.
Molecular consequence: nonsense. On other transcripts: non-coding transcript variant (4), intron variant (2).
Genome position (GRCh38, 1-based): chr2:47,799,592, A>T. VCF-style: chr2-47799592-A-T. GRCh37 (hg19) VCF-style: chr2-48026731-A-T.
Other names: c.1219A>T, p.Lys407Ter (NM_001281492.2); c.703A>T, p.Lys235Ter (NM_001281493.2, NM_001281494.2, NM_001406811.1 and 6 more transcripts); c.1705A>T, p.Lys569Ter (NM_001406795.1, NM_001406802.1); c.1609A>T, p.Lys537Ter (NM_001406796.1, NM_001406798.1, NM_001406800.1 and 3 more transcripts); c.1312A>T, p.Lys438Ter (NM_001406797.1, NM_001406801.1, NM_001406805.1 and 10 more transcripts); c.1084A>T, p.Lys362Ter (NM_001406799.1, NM_001406806.1, NM_001406807.1); c.1531A>T, p.Lys511Ter (NM_001406804.1); c.1615A>T, p.Lys539Ter (NM_001406813.1); and 3 more; short protein forms K235*, K362*, K407*, K438*, K481*, K511*, K537*, K539*.
Identifiers: ClinVar variation 2673671 (VCV002673671.2), dbSNP rs753276270, ClinGen allele CA346747008.

ClinVar aggregate classification (germline): Pathogenic. Review status: criteria provided, multiple submitters, no conflicts (2 of 4 stars). 2 submissions from 2 submitters: Pathogenic (2). Last evaluated 2025-05-14.

Conditions:
Hereditary cancer-predisposing syndrome. Also called: Tumor predisposition; Hereditary neoplastic syndrome; Neoplastic Syndromes, Hereditary; Hereditary Cancer Syndrome. Identifiers: Orphanet 140162, MedGen C0027672, MeSH D009386, MONDO:0015356.
Lynch syndrome 5 (LYNCH5). Also called: Colorectal cancer, hereditary nonpolyposis, type 5; Hereditary non-polyposis colorectal cancer, type 5. Identifiers: Orphanet 144, MedGen C1833477, MONDO:0013710, OMIM 614350. Disease mechanism: loss of function.

Submissions (2):

Ambry Genetics
Classification: Pathogenic for Hereditary cancer-predisposing syndrome. Last evaluated: 2025-05-14. Review status: criteria provided, single submitter. Criteria: Ambry Variant Classification Scheme 2023. Collection method: clinical testing. Allele origin: germline.
Comment: The p.K537* pathogenic mutation (also known as c.1609A>T), located in coding exon 4 of the MSH6 gene, results from an A to T substitution at nucleotide position 1609. This changes the amino acid from a lysine to a stop codon within coding exon 4. This variant was reported in a Danish Lynch syndrome cohort (Nilbert M et al. Fam Cancer, 2009 Jun;8:75-83). This variant is considered to be rare based on population cohorts in the Genome Aggregation Database (gnomAD). This alteration is expected to result in loss of function by premature protein truncation or nonsense-mediated mRNA decay. As such, this alteration is interpreted as a disease-causing mutation.

Myriad Genetics, Inc.
Classification: Pathogenic for Lynch syndrome 5. Last evaluated: 2023-08-15. Review status: criteria provided, single submitter. Criteria: Myriad Autosomal Dominant, Autosomal Recessive and X-Linked Classification Criteria (2023). Collection method: clinical testing. Allele origin: unknown.
Comment: This variant is considered pathogenic. This variant creates a termination codon and is predicted to result in premature protein truncation.

Literature cited by the submitters: PubMed 18566915 (cited by Ambry Genetics).